The following is an entry in ClinVar:

NM_006389.5(HYOU1):c.731C>T (p.Thr244Ile)

Gene: HYOU1 (hypoxia up-regulated 1; minus strand). Cytogenetic location: 11q23.3.
Variant type: single nucleotide variant.
Coding change: c.731C>T on transcript NM_006389.5 (MANE Select); coding-DNA position 731, C replaced by T.
Protein change: p.Thr244Ile; replaces threonine 244 with isoleucine.
Molecular consequence: missense variant.
Genome position (GRCh38, 1-based): chr11:119,054,184, G>A on the plus strand (C>T on the coding strand, the complement: HYOU1 is on the minus strand). VCF-style: chr11-119054184-G-A. GRCh37 (hg19) VCF-style: chr11-118924896-G-A.
Other names: c.731C>T, p.Thr244Ile (NM_001130991.3, NM_001411041.1); short protein forms T244I.
Identifiers: ClinVar variation 2135937 (VCV002135937.4), dbSNP rs1365808457, ClinGen allele CA382947188.

ClinVar aggregate classification (germline): Uncertain significance (1 of 4 stars; one submission).

Allele frequency attached by ClinVar (database versions not stated): gnomAD exomes below 0.00001; TOPMed below 0.00001.
gnomAD v4.1: 1 of 1,614,084 alleles (0.000062%); highest among the groups gnomAD compares: Non-Finnish European, 0.000085%; no homozygotes.

Submission:

Labcorp Genetics (formerly Invitae), Labcorp
Classification: Uncertain significance. Last evaluated: 2022-05-09. Review status: criteria provided, single submitter. Criteria: Invitae Variant Classification Sherloc (09022015). Collection method: clinical testing. Allele origin: germline.
Comment: This sequence change replaces threonine, which is neutral and polar, with isoleucine, which is neutral and non-polar, at codon 244 of the HYOU1 protein (p.Thr244Ile). This variant is not present in population databases (gnomAD no frequency). This variant has not been reported in the literature in individuals affected with HYOU1-related conditions. Algorithms developed to predict the effect of missense changes on protein structure and function are either unavailable or do not agree on the potential impact of this missense change (SIFT: "Not Available"; PolyPhen-2: "Benign"; Align-GVGD: "Not Available"). In summary, the available evidence is currently insufficient to determine the role of this variant in disease. Therefore, it has been classified as a Variant of Uncertain Significance.